The following is an entry in ClinVar:

ClinVar aggregate classification (germline): Uncertain significance (1 of 4 stars; one submission).

Conditions:
X-linked severe congenital neutropenia (SCNX). Identifiers: Orphanet 86788, MedGen C1845987, MONDO:0010294, OMIM 300299.
Thrombocytopenia 1. Also called: X-linked thrombocytopenia with normal platelets; THROMBOCYTOPENIA, X-LINKED, 1; X-Linked Thrombocytopenia (XLT). Identifiers: Orphanet 268322, Orphanet 852, MedGen C1839163, MONDO:0010743, OMIM 313900.
Wiskott-Aldrich syndrome (WAS). Also called: ALDRICH SYNDROME; IMMUNODEFICIENCY 2; WISKOTT-ALDRICH SYNDROME 1; Wiskott-aldrich syndrome, somatic. Identifiers: Orphanet 906, MedGen C0043194, MONDO:0010518, OMIM 301000.

Allele frequency attached by ClinVar (database versions not stated): gnomAD exomes below 0.00001.
gnomAD v4.1: 1 of 1,211,696 alleles (0.000083%); highest among the groups gnomAD compares: Non-Finnish European, 0.00011%; no homozygotes.

Submission:

Labcorp Genetics (formerly Invitae), Labcorp
Classification: Uncertain significance for Wiskott-Aldrich syndrome; X-linked severe congenital neutropenia; Thrombocytopenia 1. Last evaluated: 2020-12-24. Review status: criteria provided, single submitter. Criteria: Invitae Variant Classification Sherloc (09022015). Collection method: clinical testing. Allele origin: germline.
Comment: This variant is not present in population databases (ExAC no frequency). This sequence change replaces valine with aspartic acid at codon 50 of the WAS protein (p.Val50Asp). The valine residue is highly conserved and there is a large physicochemical difference between valine and aspartic acid. This variant has not been reported in the literature in individuals with WAS-related conditions. In summary, the available evidence is currently insufficient to determine the role of this variant in disease. Therefore, it has been classified as a Variant of Uncertain Significance. Algorithms developed to predict the effect of missense changes on protein structure and function are either unavailable or do not agree on the potential impact of this missense change (SIFT: "Not Available"; PolyPhen-2: "Probably Damaging"; Align-GVGD: "Not Available").

NM_000377.3(WAS):c.149T>A (p.Val50Asp)

Gene: WAS (WASP actin nucleation promoting factor; plus strand). Cytogenetic location: Xp11.23.
Variant type: single nucleotide variant.
Coding change: c.149T>A on transcript NM_000377.3 (MANE Select); coding-DNA position 149, T replaced by A.
Protein change: p.Val50Asp; replaces valine 50 with aspartic acid.
Molecular consequence: missense variant.
Genome position (GRCh38, 1-based): chrX:48,684,299, T>A. VCF-style: chrX-48684299-T-A. GRCh37 (hg19) VCF-style: chrX-48542688-T-A.
Other names: short protein forms V50D.
Identifiers: ClinVar variation 1359499 (VCV001359499.6), dbSNP rs2147262772, ClinGen allele CA412866129.